The following is an entry in ClinVar:

NM_001244008.2(KIF1A):c.756C>G (p.Ser252Arg)

Gene: KIF1A (kinesin family member 1A; minus strand). Cytogenetic location: 2q37.3.
Variant type: single nucleotide variant.
Coding change: c.756C>G on transcript NM_001244008.2 (MANE Select); coding-DNA position 756, C replaced by G.
Protein change: p.Ser252Arg; replaces serine 252 with arginine.
Molecular consequence: missense variant.
Genome position (GRCh38, 1-based): chr2:240,783,781, G>C on the plus strand (C>G on the coding strand, the complement: KIF1A is on the minus strand). VCF-style: chr2-240783781-G-C. GRCh37 (hg19) VCF-style: chr2-241723198-G-C.
Other names: c.756C>G (NM_004321.5); c.756C>G, p.Ser252Arg (NM_001320705.2, NM_001330289.2, NM_001330290.2 and 20 more transcripts); short protein forms S252R.
Identifiers: ClinVar variation 974921 (VCV000974921.2), dbSNP rs555641774, ClinGen allele CA351303160.

ClinVar aggregate classification (germline): Conflicting classifications of pathogenicity. Review status: criteria provided, conflicting classifications (1 of 4 stars). 2 submissions from 2 submitters: Likely pathogenic (1); Uncertain significance (1). Last evaluated 2025-04-09.

Conditions:
Hereditary spastic paraplegia 30. Identifiers: Orphanet 101010, MedGen C5235139, MONDO:0012476.
Inborn genetic diseases. Identifiers: MedGen C0950123, MeSH D030342.

Submissions (2):

Ambry Genetics
Classification: Uncertain significance for Inborn genetic diseases. Last evaluated: 2025-04-09. Review status: criteria provided, single submitter. Criteria: Ambry Variant Classification Scheme 2023. Collection method: clinical testing. Allele origin: germline.
Comment: The c.756C>G (p.S252R) alteration is located in exon 8 (coding exon 7) of the KIF1A gene. This alteration results from a C to G substitution at nucleotide position 756, causing the serine (S) at amino acid position 252 to be replaced by an arginine (R). This variant was not reported in population-based cohorts in the Genome Aggregation Database (gnomAD). This variant was reported as heterozygous in individual(s) with features consistent with KIF1A-related neuronal disorder (Pennings, 2020). This amino acid position is highly conserved in available vertebrate species. This missense alteration is located in a region that has a low rate of benign missense variation (Lek, 2016; Firth, 2009). This amino acid alteration is predicted to be deleterious by in silico analysis. In silico splice site analysis predicts that this nucleotide alteration may result in the creation or strengthening of a novel splice donor site. Based on insufficient or conflicting evidence, the clinical significance of this alteration remains unclear.

SIB Swiss Institute of Bioinformatics
Classification: Likely pathogenic for Spastic paraplegia 30A, autosomal dominant. Last evaluated: 2020-06-15. Review status: criteria provided, single submitter. Criteria: ACMG Guidelines, 2015. Collection method: curation. Allele origin: unknown.
Comment: This variant is interpreted as likely pathogenic for spastic paraplegia 30, autosomal dominant. The following ACMG Tag(s) were applied: Absent from controls (or at extremely low frequency if recessive) in Exome Sequencing Project, 1000 Genomes Project, or Exome Aggregation Consortium (PM2); Missense variant in a gene that has a low rate of benign missense variation and in which missense variants are a common mechanism of disease (PP2); Multiple lines of computational evidence support a deleterious effect on the gene or gene product (PP3); Prevalence in affected individuals statistically increased over controls (PS4 downgraded to supporting); Located in a mutational hot spot and/or critical and well-established functional domain (e.g., active site of an enzyme) without benign variation (PM1 downgraded to supporting).

Literature cited by the submitters: PubMed 31488895 (cited by Ambry Genetics and SIB Swiss Institute of Bioinformatics).